The following is an entry in ClinVar:

ClinVar aggregate classification (germline): Pathogenic (3 of 4 stars; one submission).

Conditions:
Hereditary factor VIII deficiency disease (HEMA). Also called: HEMOPHILIA, CLASSIC; AUTOSOMAL HEMOPHILIA A; Hemophilia A; Hemophilia A, congenital; HEM A; Factor 8 deficiency, congenital. Identifiers: Orphanet 98878, MedGen C0019069, MONDO:0010602, OMIM 306700.

Submission:

ClinGen Coagulation Factor Deficiency Variant Curation Expert Panel, Clingen
Classification: Pathogenic for Hereditary factor VIII deficiency disease. Last evaluated: 2024-02-09. Review status: reviewed by expert panel. Criteria: ClinGen CoagFactor ACMG Specifications F8 V1.0.0. Collection method: curation. Allele origin: germline. Inheritance: X-linked inheritance.
Comment: The c.6429+2T>A variant causes in frame skipping of exon 22 resulting in a protein lacking 52 aa of the C2 domain (PMID: 15670040), which meets PVSS1_Strong criteria. This variant has been identified in at least 4 individuals with severe hemophilia A (PMID: 15670040, 19740093, 12195713) and is completely absent from gnomAD v2.1.1 and v3.1.1, which meets criteria for PS4_Strong and PM2_Supporting. In summary, this variant meets criteria to be classified as pathogenic. ACMG/AMP criteria applied, as specified by the Coagulation Factor Deficiency Variant Curation Expert Panel for F8: PVS1_Strong, PS4, PM2_Supporting.

NM_000132.4(F8):c.6429+2T>A

Gene: F8 (coagulation factor VIII; minus strand). Cytogenetic location: Xq28.
Variant type: single nucleotide variant.
Coding change: c.6429+2T>A on transcript NM_000132.4 (MANE Select); the canonical splice donor site of the intron after coding-DNA position 6429, T replaced by A.
Molecular consequence: splice donor variant.
Genome position (GRCh38, 1-based): chrX:154,896,075, A>T on the plus strand (T>A on the coding strand, the complement: F8 is on the minus strand). VCF-style: chrX-154896075-A-T. GRCh37 (hg19) VCF-style: chrX-154124350-A-T.
Other names: NM_000132.4:c.6429+2T>A.
Identifiers: ClinVar variation 2775450 (VCV002775450.2), dbSNP rs2523876654, ClinGen allele CA414899265.